The following is an entry in ClinVar:

NM_001999.4(FBN2):c.1968T>C (p.Cys656=)

Gene: FBN2 (fibrillin 2; minus strand). Cytogenetic location: 5q23.3.
Variant type: single nucleotide variant.
Coding change: c.1968T>C on transcript NM_001999.4 (MANE Select); coding-DNA position 1968, T replaced by C.
Protein change: p.Cys656=; no amino-acid change (cysteine 656 retained).
Molecular consequence: synonymous variant.
Genome position (GRCh38, 1-based): chr5:128,376,735, A>G on the plus strand (T>C on the coding strand, the complement: FBN2 is on the minus strand). VCF-style: chr5-128376735-A-G. GRCh37 (hg19) VCF-style: chr5-127712428-A-G.
Identifiers: ClinVar variation 905674 (VCV000905674.37), dbSNP rs750685055, ClinGen allele CA3395694.

ClinVar aggregate classification (germline): Conflicting classifications of pathogenicity. Review status: criteria provided, conflicting classifications (1 of 4 stars). 4 submissions from 4 submitters: Uncertain significance (1); Likely benign (3). Last evaluated 2026-01-11.

Conditions:
Familial thoracic aortic aneurysm and aortic dissection (TAAD). Also called: Thoracic aortic aneurysms and dissections. Identifiers: Orphanet 91387, MedGen C4707243, MONDO:0019625.
Congenital contractural arachnodactyly (CCA). Also called: BEALS SYNDROME; Arthrogryposis, distal, type 9; Beals-Hecht syndrome. Identifiers: Orphanet 115, MedGen C0220668, MONDO:0007363, OMIM 121050.

Allele frequency attached by ClinVar (database versions not stated): gnomAD exomes 0.00003 and 0.00004; ExAC 0.00004; gnomAD 0.00004; TOPMed 0.00004.
gnomAD v4.1: 55 of 1,613,600 alleles (0.0034%); highest among the groups gnomAD compares: Non-Finnish European, 0.004%; no homozygotes.

Submissions (4):

Labcorp Genetics (formerly Invitae), Labcorp
Classification: Likely benign for Congenital contractural arachnodactyly. Last evaluated: 2026-01-11. Review status: criteria provided, single submitter. Criteria: Invitae Variant Classification Sherloc (09022015). Collection method: clinical testing. Allele origin: germline.

CeGaT Center for Human Genetics Tuebingen
Classification: Likely benign. Last evaluated: 2023-03-01. Review status: criteria provided, single submitter. Criteria: CeGaT Center For Human Genetics Tuebingen Variant Classification Criteria Version 2. Collection method: clinical testing. Allele origin: germline. Affected: yes. Observed: 1 variant allele.
Comment: FBN2: BP4, BP7

Ambry Genetics
Classification: Likely benign for Familial thoracic aortic aneurysm and aortic dissection. Last evaluated: 2019-06-04. Review status: criteria provided, single submitter. Criteria: Ambry Variant Classification Scheme 2023. Collection method: clinical testing. Allele origin: germline.

Illumina Laboratory Services, Illumina
Classification: Uncertain significance for Congenital contractural arachnodactyly. Last evaluated: 2018-01-12. Review status: criteria provided, single submitter. Criteria: ICSL Variant Classification Criteria 13 December 2019. Collection method: clinical testing. Allele origin: germline.